The following is an entry in ClinVar:

ClinVar aggregate classification (germline): Uncertain significance (1 of 4 stars; one submission).

Conditions:
Nemaline myopathy 2 (NEM2). Also called: Nemaline myopathy 2, autosomal recessive. Identifiers: MedGen C1850569, MONDO:0009725, OMIM 256030.

Submission:

Labcorp Genetics (formerly Invitae), Labcorp
Classification: Uncertain significance for Nemaline myopathy 2. Last evaluated: 2022-08-15. Review status: criteria provided, single submitter. Criteria: Invitae Variant Classification Sherloc (09022015). Collection method: clinical testing. Allele origin: germline.
Comment: This sequence change replaces proline, which is neutral and non-polar, with serine, which is neutral and polar, at codon 5589 of the NEB protein (p.Pro5589Ser). In summary, the available evidence is currently insufficient to determine the role of this variant in disease. Therefore, it has been classified as a Variant of Uncertain Significance. Algorithms developed to predict the effect of missense changes on protein structure and function are either unavailable or do not agree on the potential impact of this missense change (SIFT: "Deleterious"; PolyPhen-2: "Not Available"; Align-GVGD: "Class C0"). ClinVar contains an entry for this variant (Variation ID: 1000628). This variant has not been reported in the literature in individuals affected with NEB-related conditions. This variant is not present in population databases (gnomAD no frequency).

NM_001164508.2(NEB):c.16765C>T (p.Pro5589Ser)

Gene: NEB (nebulin; minus strand). Cytogenetic location: 2q23.3.
Variant type: single nucleotide variant.
Coding change: c.16765C>T on transcript NM_001164508.2 (MANE Select); coding-DNA position 16765, C replaced by T.
Protein change: p.Pro5589Ser; replaces proline 5589 with serine.
Molecular consequence: missense variant.
Genome position (GRCh38, 1-based): chr2:151,576,294, G>A on the plus strand (C>T on the coding strand, the complement: NEB is on the minus strand). VCF-style: chr2-151576294-G-A. GRCh37 (hg19) VCF-style: chr2-152432808-G-A.
Other names: c.16765C>T, p.Pro5589Ser (NM_001164507.2, NM_001271208.2); c.11662C>T, p.Pro3888Ser (NM_004543.5); short protein forms P3888S, P5589S.
Identifiers: ClinVar variation 1000628 (VCV001000628.8), dbSNP rs1490534583, ClinGen allele CA348810832.